The following is an entry in ClinVar:

ClinVar aggregate classification (germline): Uncertain significance (1 of 4 stars; one submission).

Conditions:
Neurofibromatosis, type 1 (NF1). Also called: VON RECKLINGHAUSEN DISEASE; Peripheral type neurofibromatosis; NEUROFIBROMATOSIS, TYPE I, SOMATIC; Neurofibromatosis, type I. Identifiers: Orphanet 636, MedGen C0027831, MONDO:0018975, OMIM 162200. Disease mechanism: loss of function.

Submission:

Labcorp Genetics (formerly Invitae), Labcorp
Classification: Uncertain significance for Neurofibromatosis, type 1. Last evaluated: 2024-12-22. Review status: criteria provided, single submitter. Criteria: Invitae Variant Classification Sherloc (09022015). Collection method: clinical testing. Allele origin: germline.
Comment: This sequence change replaces serine, which is neutral and polar, with arginine, which is basic and polar, at codon 2789 of the NF1 protein (p.Ser2789Arg). This variant is not present in population databases (gnomAD no frequency). This variant has not been reported in the literature in individuals affected with NF1-related conditions. Invitae Evidence Modeling of protein sequence and biophysical properties (such as structural, functional, and spatial information, amino acid conservation, physicochemical variation, residue mobility, and thermodynamic stability) indicates that this missense variant is not expected to disrupt NF1 protein function with a negative predictive value of 95%. In summary, the available evidence is currently insufficient to determine the role of this variant in disease. Therefore, it has been classified as a Variant of Uncertain Significance.

NM_001042492.3(NF1):c.8428A>C (p.Ser2810Arg)

Gene: NF1 (neurofibromin 1; plus strand). Cytogenetic location: 17q11.2.
Variant type: single nucleotide variant.
Coding change: c.8428A>C on transcript NM_001042492.3 (MANE Select); coding-DNA position 8428, A replaced by C.
Protein change: p.Ser2810Arg; replaces serine 2810 with arginine.
Molecular consequence: missense variant.
Genome position (GRCh38, 1-based): chr17:31,374,063, A>C. VCF-style: chr17-31374063-A-C. GRCh37 (hg19) VCF-style: chr17-29701081-A-C.
Other names: c.8365A>C, p.Ser2789Arg (NM_000267.4); short protein forms S2789R, S2810R.
Identifiers: ClinVar variation 3634618 (VCV003634618.2).